The following is an entry in ClinVar:

NM_005546.4(ITK):c.1393G>A (p.Asp465Asn)

Gene: ITK (IL2 inducible T cell kinase; plus strand). Cytogenetic location: 5q33.3.
Variant type: single nucleotide variant.
Coding change: c.1393G>A on transcript NM_005546.4 (MANE Select); coding-DNA position 1393, G replaced by A.
Protein change: p.Asp465Asn; replaces aspartic acid 465 with asparagine.
Molecular consequence: missense variant.
Genome position (GRCh38, 1-based): chr5:157,244,422, G>A. VCF-style: chr5-157244422-G-A. GRCh37 (hg19) VCF-style: chr5-156671432-G-A.
Other names: short protein forms D465N.
Identifiers: ClinVar variation 1046045 (VCV001046045.9), dbSNP rs1754979969, ClinGen allele CA361961816.
Genomic context (GRCh38, chr5:157,244,422, plus strand): 5'-GATTATCTACGCACCCAGCGGGGACTTTTTGCTGCAGAGACCCTGCTGGGCATGTGTCTG[G>A]ATGTGTGTGAGGGCATGGCCTACCTGGAAGAGGCATGTGTCATCCACAGAGACTTGGTAT-3'
Protein context (NP_005537.3, residues 455-475): AAETLLGMCL[Asp465Asn]VCEGMAYLEE

ClinVar aggregate classification (germline): Uncertain significance (1 of 4 stars; one submission).

Conditions:
Lymphoproliferative syndrome 1 (LPFS1). Identifiers: Orphanet 238505, Orphanet 538963, MedGen C3552634, MONDO:0013081, OMIM 613011.

Submission:

Labcorp Genetics (formerly Invitae), Labcorp
Classification: Uncertain significance for Lymphoproliferative syndrome 1. Last evaluated: 2020-01-10. Review status: criteria provided, single submitter. Criteria: Invitae Variant Classification Sherloc (09022015). Collection method: clinical testing. Allele origin: germline.
Comment: In summary, the available evidence is currently insufficient to determine the role of this variant in disease. Therefore, it has been classified as a Variant of Uncertain Significance. Algorithms developed to predict the effect of missense changes on protein structure and function are either unavailable or do not agree on the potential impact of this missense change (SIFT: "Tolerated"; PolyPhen-2: "Probably Damaging"; Align-GVGD: "Class C0"). This variant has not been reported in the literature in individuals with ITK-related conditions. This variant is not present in population databases (ExAC no frequency). This sequence change replaces aspartic acid with asparagine at codon 465 of the ITK protein (p.Asp465Asn). The aspartic acid residue is highly conserved and there is a small physicochemical difference between aspartic acid and asparagine.